The following is an entry in ClinVar:

ClinVar aggregate classification (germline): Uncertain significance (1 of 4 stars; one submission).

Conditions:
Long QT syndrome (LQTS). Identifiers: MedGen C0023976, MeSH D008133, MONDO:0002442. Disease mechanism: loss of function. Inheritance: Various modes of inheritance.

Submission:

Labcorp Genetics (formerly Invitae), Labcorp
Classification: Uncertain significance for Long QT syndrome. Last evaluated: 2019-02-08. Review status: criteria provided, single submitter. Criteria: Invitae Variant Classification Sherloc (09022015). Collection method: clinical testing. Allele origin: germline.
Comment: This variant has not been reported in the literature in individuals with CACNA1C-related conditions. This variant is not present in population databases (ExAC no frequency). This sequence change replaces histidine with glutamine at codon 1794 of the CACNA1C protein (p.His1794Gln). The histidine residue is weakly conserved and there is a small physicochemical difference between histidine and glutamine. Algorithms developed to predict the effect of missense changes on protein structure and function (SIFT, PolyPhen-2, Align-GVGD) all suggest that this variant is likely to be tolerated, but these predictions have not been confirmed by published functional studies and their clinical significance is uncertain. In summary, the available evidence is currently insufficient to determine the role of this variant in disease. Therefore, it has been classified as a Variant of Uncertain Significance.

NM_000719.7(CACNA1C):c.5382C>A (p.His1794Gln)

Genes: CACNA1C (calcium voltage-gated channel subunit alpha1 C; plus strand), CACNA1C-AS1 (CACNA1C antisense RNA 1; minus strand). Cytogenetic location: 12p13.33.
Variant type: single nucleotide variant.
Coding change: c.5382C>A on transcript NM_000719.7 (MANE Select); coding-DNA position 5382, C replaced by A.
Protein change: p.His1794Gln; replaces histidine 1794 with glutamine.
Molecular consequence: missense variant.
Genome position (GRCh38, 1-based): chr12:2,679,734, C>A. VCF-style: chr12-2679734-C-A. GRCh37 (hg19) VCF-style: chr12-2788900-C-A.
Other names: c.5526C>A, p.His1842Gln (NM_001129827.2, NM_199460.4); c.5505C>A, p.His1835Gln (NM_001129829.2); c.5382C>A, p.His1794Gln (NM_001129830.3, NM_001129840.2, NM_001129841.2 and 4 more transcripts); c.5466C>A, p.His1822Gln (NM_001129831.2); c.5442C>A, p.His1814Gln (NM_001129832.2); c.5439C>A, p.His1813Gln (NM_001129833.2, NM_001129834.2, NM_001129835.2); c.5433C>A, p.His1811Gln (NM_001129836.2); c.5406C>A, p.His1802Gln (NM_001129837.2, NM_001129838.2); and 3 more; short protein forms H1802Q, H1783Q, H1794Q, H1800Q, H1814Q, H1822Q, H1811Q, H1842Q.
Identifiers: ClinVar variation 843544 (VCV000843544.10), dbSNP rs377680168, ClinGen allele CA383379151.
Genomic context (GRCh38, chr12:2,679,734, plus strand): 5'-CCTGGGTCGCCTCCCTCGCCCCGCCGGCTACCCCAGCACGGTCAGCACTGTGGAGGGCCA[C>A]GGGCCCCCCTTGTCCCCTGCCATCCGGGTGCAGGAGGTGGCGTGGAAGCTCAGCTCCAAC-3'
Protein context (NP_000710.5, residues 1784-1804): YPSTVSTVEG[His1794Gln]GPPLSPAIRV